The following is an entry in ClinVar:

NM_001004334.4(GPR179):c.289G>C (p.Gly97Arg)

Gene: GPR179 (G protein-coupled receptor 179; minus strand). Cytogenetic location: 17q12.
Variant type: single nucleotide variant.
Coding change: c.289G>C on transcript NM_001004334.4 (MANE Select); coding-DNA position 289, G replaced by C.
Protein change: p.Gly97Arg; replaces glycine 97 with arginine.
Molecular consequence: missense variant.
Genome position (GRCh38, 1-based): chr17:38,343,501, C>G on the plus strand (G>C on the coding strand, the complement: GPR179 is on the minus strand). VCF-style: chr17-38343501-C-G. GRCh37 (hg19) VCF-style: chr17-36499384-C-G.
Other names: short protein forms G97R.
Identifiers: ClinVar variation 1387642 (VCV001387642.8), dbSNP rs2144283179, ClinGen allele CA398889535.
Genomic context (GRCh38, chr17:38,343,501, plus strand): 5'-CGTTGGCTTGCAGCAGCATGTTGAGAAAATTGGCGGCCTGGGCAAGGGTGCCCGCTGCCC[C>G]CTGTAGGCTTGGGGGGAGCCCTGGCATGGCTCCTGCCCCACGCGCTTCATAGCGCTCACT-3'
Protein context (NP_001004334.3, residues 87-107): AMPGLPPSLQ[Gly97Arg]AAGTLAQAAN

ClinVar aggregate classification (germline): Uncertain significance (1 of 4 stars; one submission).

Submission:

Labcorp Genetics (formerly Invitae), Labcorp
Classification: Uncertain significance. Last evaluated: 2022-06-20. Review status: criteria provided, single submitter. Criteria: Invitae Variant Classification Sherloc (09022015). Collection method: clinical testing. Allele origin: germline.
Comment: This variant is not present in population databases (gnomAD no frequency). This sequence change replaces glycine, which is neutral and non-polar, with arginine, which is basic and polar, at codon 97 of the GPR179 protein (p.Gly97Arg). This variant has not been reported in the literature in individuals affected with GPR179-related conditions. Algorithms developed to predict the effect of missense changes on protein structure and function output the following: SIFT: "Tolerated"; PolyPhen-2: "Benign"; Align-GVGD: "Class C0". The arginine amino acid residue is found in multiple mammalian species, which suggests that this missense change does not adversely affect protein function. In summary, the available evidence is currently insufficient to determine the role of this variant in disease. Therefore, it has been classified as a Variant of Uncertain Significance.